The following is an entry in ClinVar:

ClinVar aggregate classification (germline): Uncertain significance (1 of 4 stars; one submission).

Submission:

GeneDx
Classification: Uncertain significance. Last evaluated: 2025-03-20. Review status: criteria provided, single submitter. Criteria: GeneDx Variant Classification Process June 2021. Collection method: clinical testing. Allele origin: germline. Affected: yes.
Comment: Not observed at significant frequency in large population cohorts (gnomAD); Has not been previously published as pathogenic or benign to our knowledge; In silico analysis does not support a benign or deleterious effect of this variant on protein structure/function

NM_182895.5(SCARF2):c.2125G>A (p.Val709Ile)

Gene: SCARF2 (scavenger receptor class F member 2; minus strand). Cytogenetic location: 22q11.21.
Variant type: single nucleotide variant.
Coding change: c.2125G>A on transcript NM_182895.5 (MANE Select); coding-DNA position 2125, G replaced by A.
Protein change: p.Val709Ile; replaces valine 709 with isoleucine.
Molecular consequence: missense variant.
Genome position (GRCh38, 1-based): chr22:20,425,851, C>T on the plus strand (G>A on the coding strand, the complement: SCARF2 is on the minus strand). VCF-style: chr22-20425851-C-T. GRCh37 (hg19) VCF-style: chr22-20780138-C-T.
Other names: c.2140G>A, p.Val714Ile (NM_153334.7); short protein forms V709I, V714I.
Identifiers: ClinVar variation 4086550 (VCV004086550.1).